The following is an entry in ClinVar:

NM_001171.6(ABCC6):c.2628C>A (p.Gly876=)

Gene: ABCC6 (ATP binding cassette subfamily C member 6; minus strand). Cytogenetic location: 16p13.11.
Variant type: single nucleotide variant.
Coding change: c.2628C>A on transcript NM_001171.6 (MANE Select); coding-DNA position 2628, C replaced by A.
Protein change: p.Gly876=; no amino-acid change (glycine 876 retained).
Molecular consequence: synonymous variant. On other transcripts: non-coding transcript variant (1).
Genome position (GRCh38, 1-based): chr16:16,175,949, G>T on the plus strand (C>A on the coding strand, the complement: ABCC6 is on the minus strand). VCF-style: chr16-16175949-G-T. GRCh37 (hg19) VCF-style: chr16-16269806-G-T.
Other names: c.2286C>A, p.Gly762= (NM_001351800.1).
Identifiers: ClinVar variation 792811 (VCV000792811.41), dbSNP rs115379860, ClinGen allele CA7925847.

ClinVar aggregate classification (germline): Benign/Likely benign. Review status: criteria provided, multiple submitters, no conflicts (2 of 4 stars). 4 submissions from 4 submitters: Benign (2); Likely benign (2). Last evaluated 2026-03-01.

Allele frequency attached by ClinVar (database versions not stated): 1000 Genomes Project 30x 0.00016; 1000 Genomes Project 0.00020; ESP Exome Variant Server 0.00023; TOPMed 0.00050; gnomAD 0.00057; gnomAD exomes 0.00061; ExAC 0.00066.
gnomAD v4.1: 1,261 of 1,614,142 alleles (0.078%); highest among the groups gnomAD compares: Non-Finnish European, 0.092%; 3 homozygotes.

Submissions (4):

CeGaT Center for Human Genetics Tuebingen
Classification: Likely benign. Last evaluated: 2026-03-01. Review status: criteria provided, single submitter. Criteria: CeGaT Center For Human Genetics Tuebingen Variant Classification Criteria Version 2. Collection method: clinical testing. Allele origin: germline. Affected: yes. Observed: 5 variant alleles.
Comment: ABCC6: BP4, BP7

Labcorp Genetics (formerly Invitae), Labcorp
Classification: Benign. Last evaluated: 2026-01-02. Review status: criteria provided, single submitter. Criteria: Invitae Variant Classification Sherloc (09022015). Collection method: clinical testing. Allele origin: germline.

Blueprint Genetics
Classification: Likely benign. Last evaluated: 2024-11-22. Review status: criteria provided, single submitter. Criteria: ACMG Guidelines, 2015. Collection method: clinical testing. Allele origin: germline.

Breakthrough Genomics
Classification: Benign. Review status: criteria provided, single submitter. Criteria: ACMG Guidelines, 2015. Collection method: not provided. Allele origin: germline. Inheritance: Autosomal recessive inheritance. Affected: yes.